The following is an entry in ClinVar:

NM_001165963.4(SCN1A):c.940T>C (p.Trp314Arg)

Gene: SCN1A (sodium voltage-gated channel alpha subunit 1; minus strand). Cytogenetic location: 2q24.3.
Variant type: single nucleotide variant.
Coding change: c.940T>C on transcript NM_001165963.4 (MANE Select); coding-DNA position 940, T replaced by C.
Protein change: p.Trp314Arg; replaces tryptophan 314 with arginine.
Molecular consequence: missense variant. On other transcripts: 5 prime UTR variant (1), non-coding transcript variant (1).
Genome position (GRCh38, 1-based): chr2:166,051,743, A>G on the plus strand (T>C on the coding strand, the complement: SCN1A is on the minus strand). VCF-style: chr2-166051743-A-G. GRCh37 (hg19) VCF-style: chr2-166908253-A-G.
Other names: c.940T>C, p.Trp314Arg (NM_001165964.3, NM_001202435.3, NM_001353948.2 and 10 more transcripts); c.-1486T>C (NM_001353961.2); short protein forms W314R.
Identifiers: ClinVar variation 1485341 (VCV001485341.9), dbSNP rs2105888708, ClinGen allele CA349072527.

ClinVar aggregate classification (germline): Likely pathogenic (1 of 4 stars; one submission).

Conditions:
Early-infantile DEE. Also called: Ohtahara syndrome; Early infantile epileptic encephalopathy; Early infantile epileptic encephalopathy with suppression bursts. Identifiers: Orphanet 1934, MedGen C0393706, MONDO:0800491.

Submission:

Labcorp Genetics (formerly Invitae), Labcorp
Classification: Likely pathogenic for Early-infantile DEE. Last evaluated: 2020-11-26. Review status: criteria provided, single submitter. Criteria: Invitae Variant Classification Sherloc (09022015). Collection method: clinical testing. Allele origin: germline.
Comment: In summary, the currently available evidence indicates that the variant is pathogenic, but additional data are needed to prove that conclusively. Therefore, this variant has been classified as Likely Pathogenic. This variant disrupts the p.Trp314 amino acid residue in SCN1A. Other variant(s) that disrupt this residue have been determined to be pathogenic (Invitae). This suggests that this residue is clinically significant, and that variants that disrupt this residue are likely to be disease-causing. Advanced modeling of protein sequence and biophysical properties (such as structural, functional, and spatial information, amino acid conservation, physicochemical variation, residue mobility, and thermodynamic stability) performed at Invitae indicates that this missense variant is expected to disrupt SCN1A protein function. This variant has not been reported in the literature in individuals with SCN1A-related conditions. This variant is not present in population databases (ExAC no frequency). This sequence change replaces tryptophan with arginine at codon 314 of the SCN1A protein (p.Trp314Arg). The tryptophan residue is highly conserved and there is a moderate physicochemical difference between tryptophan and arginine.